The following is an entry in ClinVar:

ClinVar aggregate classification (germline): Pathogenic (1 of 4 stars; one submission).

gnomAD v4.1: 2 of 1,614,038 alleles (0.00012%); highest among the groups gnomAD compares: Non-Finnish European, 0.00017%; no homozygotes.

Submission:

Labcorp Genetics (formerly Invitae), Labcorp
Classification: Pathogenic. Last evaluated: 2023-08-24. Review status: criteria provided, single submitter. Criteria: Invitae Variant Classification Sherloc (09022015). Collection method: clinical testing. Allele origin: germline.
Comment: For these reasons, this variant has been classified as Pathogenic. This variant has not been reported in the literature in individuals affected with CEP152-related conditions. This variant is not present in population databases (gnomAD no frequency). This sequence change creates a premature translational stop signal (p.Arg354*) in the CEP152 gene. It is expected to result in an absent or disrupted protein product. Loss-of-function variants in CEP152 are known to be pathogenic (PMID: 21131973).

Literature cited by the submitters: PubMed 21131973.

NM_001194998.2(CEP152):c.1060C>T (p.Arg354Ter)

Gene: CEP152 (centrosomal protein 152; minus strand). Cytogenetic location: 15q21.1.
Variant type: single nucleotide variant.
Coding change: c.1060C>T on transcript NM_001194998.2 (MANE Select); coding-DNA position 1060, C replaced by T.
Protein change: p.Arg354Ter; replaces arginine 354 with a stop codon.
Molecular consequence: nonsense.
Genome position (GRCh38, 1-based): chr15:48,788,914, G>A on the plus strand (C>T on the coding strand, the complement: CEP152 is on the minus strand). VCF-style: chr15-48788914-G-A. GRCh37 (hg19) VCF-style: chr15-49081111-G-A.
Other names: c.1060C>T, p.Arg354Ter (NM_014985.4); short protein forms R354*.
Identifiers: ClinVar variation 2801747 (VCV002801747.3), dbSNP rs759917227, ClinGen allele CA392355351.